The following is an entry in ClinVar:

ClinVar aggregate classification (germline): Uncertain significance (1 of 4 stars; one submission).

Conditions:
Epidermolysis bullosa simplex 3, localized or generalized intermediate, with BP230 deficiency (EBS3). Also called: Epidermolysis bullosa simplex, autosomal recessive 2; Epidermolysis bullosa simplex due to BP230 deficiency. Identifiers: Orphanet 412181, MedGen C3809470, MONDO:0014180, OMIM 615425.
Hereditary sensory and autonomic neuropathy type 6. Also called: Neuropathy, hereditary sensory and autonomic, type VI; HSAN VI. Identifiers: Orphanet 314381, MedGen C3539003, MONDO:0013839, OMIM 614653.

Submission:

Labcorp Genetics (formerly Invitae), Labcorp
Classification: Uncertain significance for Epidermolysis bullosa simplex 3, localized or generalized intermediate, with BP230 deficiency; Hereditary sensory and autonomic neuropathy type 6. Last evaluated: 2022-08-18. Review status: criteria provided, single submitter. Criteria: Invitae Variant Classification Sherloc (09022015). Collection method: clinical testing. Allele origin: germline.
Comment: Experimental studies and prediction algorithms are not available or were not evaluated, and the functional significance of this variant is currently unknown. In summary, the available evidence is currently insufficient to determine the role of this variant in disease. Therefore, it has been classified as a Variant of Uncertain Significance. This variant has not been reported in the literature in individuals affected with DST-related conditions. This variant is not present in population databases (gnomAD no frequency). This sequence change replaces isoleucine, which is neutral and non-polar, with threonine, which is neutral and polar, at codon 1314 of the DST protein (p.Ile1314Thr). The DST gene has multiple clinically relevant transcripts. This variant occurs in alternate transcript NM_015548.4, and corresponds to NM_001723.5:c.*16923T>C in the primary transcript.

NM_001374736.1(DST):c.11810T>C (p.Ile3937Thr)

Gene: DST (dystonin; minus strand). Cytogenetic location: 6p12.1.
Variant type: single nucleotide variant.
Coding change: c.11810T>C on transcript NM_001374736.1 (MANE Select); coding-DNA position 11810, T replaced by C.
Protein change: p.Ile3937Thr; replaces isoleucine 3937 with threonine.
Molecular consequence: missense variant.
Genome position (GRCh38, 1-based): chr6:56,598,594, A>G on the plus strand (T>C on the coding strand, the complement: DST is on the minus strand). VCF-style: chr6-56598594-A-G. GRCh37 (hg19) VCF-style: chr6-56463392-A-G.
Other names: c.5453T>C, p.Ile1818Thr (NM_001144769.5); c.5039T>C, p.Ile1680Thr (NM_001144770.2); c.11810T>C, p.Ile3937Thr (NM_001374722.1); c.11177T>C, p.Ile3726Thr (NM_001374729.1); c.4919T>C, p.Ile1640Thr (NM_001374730.1, NM_001386100.1, NM_183380.4); c.11837T>C, p.Ile3946Thr (NM_001374734.1); c.3941T>C, p.Ile1314Thr (NM_015548.5); short protein forms I1818T, I3946T, I3937T, I1680T, I1314T, I1640T, I3726T.
Identifiers: ClinVar variation 2024564 (VCV002024564.4), dbSNP rs2536247761, ClinGen allele CA364529156.